The following is an entry in ClinVar:

NM_020831.6(MRTFA):c.1131GCA[7] (p.Gln381_His382insGlnGln)

Gene: MRTFA (myocardin related transcription factor A; minus strand). Cytogenetic location: 22q13.1.
Variant type: Microsatellite.
Coding change: c.1131GCA[7] on transcript NM_020831.6 (MANE Select); seven copies in a row of the 3-base unit GCA starting at c.1131; the reference has five copies in a row; two copies, 6 bases duplicated.
Protein change: p.Gln381_His382insGlnGln.
Molecular consequence: inframe insertion.
Genome position (GRCh38, 1-based): chr22:40,420,883-40,420,888, TGCTGC duplicated on the plus strand (GCAGCA on the coding strand, the reverse complement: MRTFA is on the minus strand); duplicating any 6 consecutive bases within chr22:40,420,883-40,420,899 gives the same sequence; the position shown is the placement nearest the transcript's 3' end. VCF-style (leftmost placement, unchanged base first): chr22-40420882-G-GTGCTGC. GRCh37 (hg19) VCF-style: chr22-40816886-G-GTGCTGC.
Other names: c.831GCA[7], p.Gln281_His282insGlnGln (NM_001282660.2); c.981GCA[7], p.Gln331_His332insGlnGln (NM_001282661.3); c.1131GCA[7], p.Gln381_His382insGlnGln (NM_001282662.3); c.936GCA[7], p.Gln316_His317insGlnGln (NM_001318139.2).
Identifiers: ClinVar variation 2970680 (VCV002970680.3), dbSNP rs751939334, ClinGen allele CA10249789.
Genomic context (GRCh38, chr22:40,420,882, plus strand): 5'-CAGGCAGTGAGGAGCGGGTGCCTACTTTGGCGGGGCAGGCAGGATGGCCTGGTAGTTGTG[G>GTGCTGC]TGCTGCTGCTGCTGCTGGTTGAGGATCTGCAGCTGGAGGAAGAGCTGCTGCTGCTGCAGG-3'

ClinVar aggregate classification (germline): Uncertain significance (1 of 4 stars; one submission).

Submission:

Labcorp Genetics (formerly Invitae), Labcorp
Classification: Uncertain significance. Last evaluated: 2023-08-21. Review status: criteria provided, single submitter. Criteria: Invitae Variant Classification Sherloc (09022015). Collection method: clinical testing. Allele origin: germline.
Comment: In summary, the available evidence is currently insufficient to determine the role of this variant in disease. Therefore, it has been classified as a Variant of Uncertain Significance. Experimental studies and prediction algorithms are not available or were not evaluated, and the functional significance of this variant is currently unknown. This variant has not been reported in the literature in individuals affected with MKL1-related conditions. This variant is present in population databases (rs766748379, gnomAD 0.002%). This variant, c.840_845dup, results in the insertion of 2 amino acid(s) of the MKL1 protein (p.Gln280_Gln281dup), but otherwise preserves the integrity of the reading frame.